The following is an entry in ClinVar:

NM_005045.4(RELN):c.6995G>A (p.Ser2332Asn)

Gene: RELN (reelin; minus strand). Cytogenetic location: 7q22.1.
Variant type: single nucleotide variant.
Coding change: c.6995G>A on transcript NM_005045.4 (MANE Select); coding-DNA position 6995, G replaced by A.
Protein change: p.Ser2332Asn; replaces serine 2332 with asparagine.
Molecular consequence: missense variant.
Genome position (GRCh38, 1-based): chr7:103,539,263, C>T on the plus strand (G>A on the coding strand, the complement: RELN is on the minus strand). VCF-style: chr7-103539263-C-T. GRCh37 (hg19) VCF-style: chr7-103179710-C-T.
Other names: c.6995G>A, p.Ser2332Asn (NM_173054.3); short protein forms S2332N.
Identifiers: ClinVar variation 3257548 (VCV003257548.17).

ClinVar aggregate classification (germline): Uncertain significance (1 of 4 stars; one submission).

Submission:

CeGaT Center for Human Genetics Tuebingen
Classification: Uncertain significance. Last evaluated: 2024-07-01. Review status: criteria provided, single submitter. Criteria: CeGaT Center For Human Genetics Tuebingen Variant Classification Criteria Version 2. Collection method: clinical testing. Allele origin: germline. Affected: yes. Observed: 1 variant allele.
Comment: RELN: PM2